The following is an entry in ClinVar:

NM_000051.4(ATM):c.6342C>T (p.Ser2114=)

Genes: ATM (ATM serine/threonine kinase; plus strand), C11orf65 (chromosome 11 open reading frame 65; minus strand). Cytogenetic location: 11q22.3.
Variant type: single nucleotide variant.
Coding change: c.6342C>T on transcript NM_000051.4 (MANE Select); coding-DNA position 6342, C replaced by T.
Protein change: p.Ser2114=; no amino-acid change (serine 2114 retained).
Molecular consequence: synonymous variant. On other transcripts: intron variant (2).
Genome position (GRCh38, 1-based): chr11:108,317,516, C>T. VCF-style: chr11-108317516-C-T. GRCh37 (hg19) VCF-style: chr11-108188243-C-T.
Other names: c.6342C>T, p.Ser2114= (NM_001351834.2); c.641-8445G>A (NM_001330368.2); c.*39-8445G>A (NM_001351110.2).
Identifiers: ClinVar variation 387701 (VCV000387701.21), dbSNP rs754020535, ClinGen allele CA6265907.
Genomic context (GRCh38, chr11:108,317,516, plus strand): 5'-ACTAGAAGAACTTCATTACCAAGCAGCATGGAGGAATATGCAGTGGGACCATTGCACTTC[C>T]GTCAGGTAAGAAATTTGACTTGATTTTTTTTTTTTTGCCTCTCTCCTCATTCTAAACAAC-3'
Protein context (NP_000042.3, residues 2104-2124): WRNMQWDHCT[Ser2114=]VSKEVEGTSY

ClinVar aggregate classification (germline): Benign/Likely benign. Review status: criteria provided, multiple submitters, no conflicts (2 of 4 stars). 7 submissions from 7 submitters: Benign (1); Likely benign (5). 1 of the submissions does not count toward it. Last evaluated 2026-01-18.

Conditions:
ATM-related disorder. Also called: ATM-related disorders; ATM-related condition.
Hereditary cancer-predisposing syndrome. Also called: Neoplastic Syndromes, Hereditary; Hereditary Cancer Syndrome; Tumor predisposition; Hereditary neoplastic syndrome. Identifiers: Orphanet 140162, MedGen C0027672, MeSH D009386, MONDO:0015356.
Familial cancer of breast. Also called: Hereditary breast cancer; BREAST CANCER, FAMILIAL; hereditary breast carcinoma. Identifiers: Orphanet 227535, MedGen C0346153, MONDO:0016419, OMIM 114480. Disease mechanism: loss of function.
Ataxia-telangiectasia syndrome (AT). Also called: LOUIS-BAR SYNDROME; Cerebello-oculocutaneous telangiectasia; Immunodeficiency with ataxia telangiectasia; Ataxia-telangiectasia, complementation group D; AT, COMPLEMENTATION GROUP C; Ataxia-telangiectasia, complementation group E. Identifiers: Orphanet 100, MedGen C0004135, MONDO:0008840, OMIM 208900.

Allele frequency attached by ClinVar (database versions not stated): ExAC 0.00002; TOPMed below 0.00001; gnomAD exomes 0.00001.
gnomAD v4.1: 9 of 1,604,262 alleles (0.00056%); highest among the groups gnomAD compares: East Asian, 0.0022%; no homozygotes.

Submissions (7):

Labcorp Genetics (formerly Invitae), Labcorp
Classification: Likely benign for Ataxia-telangiectasia syndrome. Last evaluated: 2026-01-18. Review status: criteria provided, single submitter. Criteria: Invitae Variant Classification Sherloc (09022015). Collection method: clinical testing. Allele origin: germline.

Women's Health and Genetics/Laboratory Corporation of America, LabCorp
Classification: Likely benign. Last evaluated: 2024-12-06. Review status: criteria provided, single submitter. Criteria: LabCorp Variant Classification Summary - May 2015. Collection method: clinical testing. Allele origin: germline.

Myriad Genetics, Inc.
Classification: Benign for Familial cancer of breast. Last evaluated: 2024-06-05. Review status: criteria provided, single submitter. Criteria: Myriad Autosomal Dominant, Autosomal Recessive and X-Linked Classification Criteria (2023). Collection method: clinical testing. Allele origin: unknown.
Comment: This variant is considered benign. This variant is a silent/synonymous amino acid change and it is not expected to impact splicing.

Color Diagnostics, LLC DBA Color Health
Classification: Likely benign for Hereditary cancer-predisposing syndrome. Last evaluated: 2020-12-21. Review status: criteria provided, single submitter. Criteria: ACMG Guidelines, 2015. Collection method: clinical testing. Allele origin: germline.

GeneDx
Classification: Likely benign. Last evaluated: 2017-08-29. Review status: criteria provided, single submitter. Criteria: GeneDx Variant Classification (06012015). Collection method: clinical testing. Allele origin: germline. Affected: yes.
Comment: This variant is considered likely benign or benign based on one or more of the following criteria: it is a conservative change, it occurs at a poorly conserved position in the protein, it is predicted to be benign by multiple in silico algorithms, and/or has population frequency not consistent with disease.

Ambry Genetics
Classification: Likely benign for Hereditary cancer-predisposing syndrome. Last evaluated: 2017-01-27. Review status: criteria provided, single submitter. Criteria: Ambry Variant Classification Scheme 2023. Collection method: clinical testing. Allele origin: germline.

PreventionGenetics, part of Exact Sciences
Classification: Likely benign for ATM-related condition. Last evaluated: 2024-03-14. Review status: no assertion criteria provided. Collection method: clinical testing. Allele origin: germline. Not counted in ClinVar's aggregate classification.
Comment: This variant is classified as likely benign based on ACMG/AMP sequence variant interpretation guidelines (Richards et al. 2015 PMID: 25741868, with internal and published modifications).